The following is an entry in ClinVar:

ClinVar aggregate classification (germline): Uncertain significance (1 of 4 stars; one submission).

Conditions:
Hereditary cancer-predisposing syndrome. Also called: Tumor predisposition; Neoplastic Syndromes, Hereditary; Hereditary Cancer Syndrome; Hereditary neoplastic syndrome. Identifiers: Orphanet 140162, MedGen C0027672, MeSH D009386, MONDO:0015356.

Submission:

Ambry Genetics
Classification: Uncertain significance for Hereditary cancer-predisposing syndrome. Last evaluated: 2024-12-20. Review status: criteria provided, single submitter. Criteria: Ambry Variant Classification Scheme 2023. Collection method: clinical testing. Allele origin: germline.
Comment: The p.Q822P variant (also known as c.2465A>C), located in coding exon 5 of the PALB2 gene, results from an A to C substitution at nucleotide position 2465. The glutamine at codon 822 is replaced by proline, an amino acid with similar properties. This amino acid position is conserved. In addition, this alteration is predicted to be tolerated by in silico analysis. Based on the available evidence, the clinical significance of this variant remains unclear.

NM_024675.4(PALB2):c.2465A>C (p.Gln822Pro)

Gene: PALB2 (partner and localizer of BRCA2; minus strand). Cytogenetic location: 16p12.2.
Variant type: single nucleotide variant.
Coding change: c.2465A>C on transcript NM_024675.4 (MANE Select); coding-DNA position 2465, A replaced by C.
Protein change: p.Gln822Pro; replaces glutamine 822 with proline.
Molecular consequence: missense variant. On other transcripts: intron variant (1).
Genome position (GRCh38, 1-based): chr16:23,629,689, T>G on the plus strand (A>C on the coding strand, the complement: PALB2 is on the minus strand). VCF-style: chr16-23629689-T-G. GRCh37 (hg19) VCF-style: chr16-23641010-T-G.
Other names: c.2405A>C, p.Gln802Pro (NM_001407296.1); c.2465A>C, p.Gln822Pro (NM_001407297.1, NM_001407298.1, NM_001407299.1 and 3 more transcripts); c.1580A>C, p.Gln527Pro (NM_001407304.1, NM_001407305.1, NM_001407306.1 and 5 more transcripts); c.677A>C, p.Gln226Pro (NM_001407312.1, NM_001407313.1); c.49-414A>C (NM_001407314.1); short protein forms Q822P, Q527P, Q226P, Q802P.
Identifiers: ClinVar variation 3885190 (VCV003885190.1).